The following is an entry in ClinVar:

NM_000051.4(ATM):c.5749A>C (p.Arg1917=)

Gene: ATM (ATM serine/threonine kinase; plus strand). Cytogenetic location: 11q22.3.
Variant type: single nucleotide variant.
Coding change: c.5749A>C on transcript NM_000051.4 (MANE Select); coding-DNA position 5749, A replaced by C.
Protein change: p.Arg1917=; no amino-acid change (arginine 1917 retained).
Molecular consequence: synonymous variant.
Genome position (GRCh38, 1-based): chr11:108,307,971, A>C. VCF-style: chr11-108307971-A-C. GRCh37 (hg19) VCF-style: chr11-108178698-A-C.
Other names: c.5749A>C, p.Arg1917= (NM_001351834.2).
Identifiers: ClinVar variation 3253996 (VCV003253996.1), dbSNP rs2083822627.

ClinVar aggregate classification (germline): Benign (1 of 4 stars; one submission).

Conditions:
Familial cancer of breast. Also called: BREAST CANCER, FAMILIAL; Hereditary breast cancer; hereditary breast carcinoma. Identifiers: Orphanet 227535, MedGen C0346153, MONDO:0016419, OMIM 114480. Disease mechanism: loss of function.

Submission:

Myriad Genetics, Inc.
Classification: Benign for Familial cancer of breast. Last evaluated: 2024-05-24. Review status: criteria provided, single submitter. Criteria: Myriad Autosomal Dominant, Autosomal Recessive and X-Linked Classification Criteria (2023). Collection method: clinical testing. Allele origin: unknown.
Comment: This variant is considered benign. This variant is a silent/synonymous amino acid change and it is not expected to impact splicing.